The following is an entry in ClinVar:

ClinVar aggregate classification (germline): Uncertain significance (1 of 4 stars; one submission).

Conditions:
Early Myoclonic Encephalopathy. Identifiers: MedGen C0270855.

Allele frequency attached by ClinVar (database versions not stated): ExAC 0.00001; gnomAD 0.00001; gnomAD exomes 0.00001; TOPMed 0.00001.
gnomAD v4.1: 5 of 1,614,002 alleles (0.00031%); highest among the groups gnomAD compares: Non-Finnish European, 0.00034%; no homozygotes.

Submission:

Labcorp Genetics (formerly Invitae), Labcorp
Classification: Uncertain significance for Early Myoclonic Encephalopathy. Last evaluated: 2019-09-05. Review status: criteria provided, single submitter. Criteria: Invitae Variant Classification Sherloc (09022015). Collection method: clinical testing. Allele origin: germline.
Comment: In summary, the available evidence is currently insufficient to determine the role of this variant in disease. Therefore, it has been classified as a Variant of Uncertain Significance. Algorithms developed to predict the effect of missense changes on protein structure and function output the following: SIFT: "Tolerated"; PolyPhen-2: "Benign"; Align-GVGD: "Class C0". The alanine amino acid residue is found in multiple mammalian species, suggesting that this missense change does not adversely affect protein function. These predictions have not been confirmed by published functional studies and their clinical significance is uncertain. This variant has not been reported in the literature in individuals with JMJD1C-related conditions. This variant is present in population databases (rs765302467, ExAC 0.001%). This sequence change replaces threonine with alanine at codon 661 of the JMJD1C protein (p.Thr661Ala). The threonine residue is weakly conserved and there is a small physicochemical difference between threonine and alanine.

NM_032776.3(JMJD1C):c.1981A>G (p.Thr661Ala)

Gene: JMJD1C (jumonji domain containing 1C; minus strand). Cytogenetic location: 10q21.3.
Variant type: single nucleotide variant.
Coding change: c.1981A>G on transcript NM_032776.3 (MANE Select); coding-DNA position 1981, A replaced by G.
Protein change: p.Thr661Ala; replaces threonine 661 with alanine.
Molecular consequence: missense variant. On other transcripts: non-coding transcript variant (1).
Genome position (GRCh38, 1-based): chr10:63,214,186, T>C on the plus strand (A>G on the coding strand, the complement: JMJD1C is on the minus strand). VCF-style: chr10-63214186-T-C. GRCh37 (hg19) VCF-style: chr10-64973946-T-C.
Other names: c.1435A>G, p.Thr479Ala (NM_001282948.2, NM_001318154.2); c.1117A>G, p.Thr373Ala (NM_001318153.2); c.1867A>G, p.Thr623Ala (NM_001322252.2); c.1324A>G, p.Thr442Ala (NM_001322254.2, NM_001322258.2); short protein forms T442A, T623A, T661A, T373A, T479A.
Identifiers: ClinVar variation 959985 (VCV000959985.9), dbSNP rs765302467, ClinGen allele CA5518707.